The following is an entry in ClinVar:

NM_001852.4(COL9A2):c.1012G>A (p.Val338Met)

Gene: COL9A2 (collagen type IX alpha 2 chain; minus strand). Cytogenetic location: 1p34.2.
Variant type: single nucleotide variant.
Coding change: c.1012G>A on transcript NM_001852.4 (MANE Select); coding-DNA position 1012, G replaced by A.
Protein change: p.Val338Met; replaces valine 338 with methionine.
Molecular consequence: missense variant.
Genome position (GRCh38, 1-based): chr1:40,306,184, C>T on the plus strand (G>A on the coding strand, the complement: COL9A2 is on the minus strand). VCF-style: chr1-40306184-C-T. GRCh37 (hg19) VCF-style: chr1-40771856-C-T.
Other names: short protein forms V338M.
Identifiers: ClinVar variation 1420155 (VCV001420155.6), dbSNP rs1340601841, ClinGen allele CA339851520.

ClinVar aggregate classification (germline): Uncertain significance (1 of 4 stars; one submission).

Allele frequency attached by ClinVar (database versions not stated): gnomAD exomes below 0.00001.
gnomAD v4.1: 2 of 1,614,238 alleles (0.00012%); highest among the groups gnomAD compares: Non-Finnish European, 0.00017%; no homozygotes.

Submission:

Labcorp Genetics (formerly Invitae), Labcorp
Classification: Uncertain significance. Last evaluated: 2024-01-02. Review status: criteria provided, single submitter. Criteria: Invitae Variant Classification Sherloc (09022015). Collection method: clinical testing. Allele origin: germline.
Comment: This sequence change replaces valine, which is neutral and non-polar, with methionine, which is neutral and non-polar, at codon 338 of the COL9A2 protein (p.Val338Met). This variant is not present in population databases (gnomAD no frequency). This variant has not been reported in the literature in individuals affected with COL9A2-related conditions. ClinVar contains an entry for this variant (Variation ID: 1420155). Advanced modeling of protein sequence and biophysical properties (such as structural, functional, and spatial information, amino acid conservation, physicochemical variation, residue mobility, and thermodynamic stability) performed at Invitae indicates that this missense variant is not expected to disrupt COL9A2 protein function with a negative predictive value of 95%. In summary, the available evidence is currently insufficient to determine the role of this variant in disease. Therefore, it has been classified as a Variant of Uncertain Significance.